The following is an entry in ClinVar:

NM_014679.5(CEP57):c.622-2A>G

Gene: CEP57 (centrosomal protein 57; plus strand). Cytogenetic location: 11q21.
Variant type: single nucleotide variant.
Coding change: c.622-2A>G on transcript NM_014679.5 (MANE Select); the canonical splice acceptor site of the intron before coding-DNA position 622, A replaced by G.
Molecular consequence: splice acceptor variant.
Genome position (GRCh38, 1-based): chr11:95,818,825, A>G. VCF-style: chr11-95818825-A-G. GRCh37 (hg19) VCF-style: chr11-95551989-A-G.
Other names: c.541-2A>G (NM_001363604.2); c.595-2A>G (NM_001243776.2); c.622-2A>G (NM_001243777.2).
Identifiers: ClinVar variation 2828215 (VCV002828215.3), dbSNP rs2496263182, ClinGen allele CA382423616.

ClinVar aggregate classification (germline): Likely pathogenic (1 of 4 stars; one submission).

Conditions:
Mosaic variegated aneuploidy syndrome 2 (MVA2). Identifiers: Orphanet 1052, MedGen C3279843, MONDO:0013582, OMIM 614114.

Allele frequency attached by ClinVar (database versions not stated): gnomAD exomes 0.00001.
gnomAD v4.1: 5 of 1,612,668 alleles (0.00031%); highest among the groups gnomAD compares: Non-Finnish European, 0.00042%; no homozygotes.

Submission:

Labcorp Genetics (formerly Invitae), Labcorp
Classification: Likely pathogenic for Mosaic variegated aneuploidy syndrome 2. Last evaluated: 2023-01-13. Review status: criteria provided, single submitter. Criteria: Invitae Variant Classification Sherloc (09022015). Collection method: clinical testing. Allele origin: germline.
Comment: In summary, the currently available evidence indicates that the variant is pathogenic, but additional data are needed to prove that conclusively. Therefore, this variant has been classified as Likely Pathogenic. Algorithms developed to predict the effect of sequence changes on RNA splicing suggest that this variant may disrupt the consensus splice site. This variant has not been reported in the literature in individuals affected with CEP57-related conditions. This variant is not present in population databases (gnomAD no frequency). This sequence change affects an acceptor splice site in intron 5 of the CEP57 gene. It is expected to disrupt RNA splicing. Variants that disrupt the donor or acceptor splice site typically lead to a loss of protein function (PMID: 16199547), and loss-of-function variants in CEP57 are known to be pathogenic (PMID: 21552266, 24259107).

Literature cited by the submitters: PubMed 16199547; PubMed 21552266; PubMed 24259107.